The following is an entry in ClinVar:

ClinVar aggregate classification (germline): Likely benign. Review status: criteria provided, multiple submitters, no conflicts (2 of 4 stars). 2 submissions from 2 submitters: Likely benign (2). Last evaluated 2026-02-16.

Conditions:
Cardiovascular phenotype. Identifiers: MedGen CN230736.

Submissions (2):

Women's Health and Genetics/Laboratory Corporation of America, LabCorp
Classification: Likely benign. Last evaluated: 2026-02-16. Review status: criteria provided, single submitter. Criteria: LabCorp Variant Classification Summary - May 2015. Collection method: clinical testing. Allele origin: germline.
Comment: Variant summary: MYOZ2 c.369T>A alters a conserved nucleotide resulting in a synonymous change. Consensus agreement among computation tools predict no significant impact on normal splicing. However, these predictions have yet to be confirmed by functional studies. The variant was absent in 251288 control chromosomes. The available data on variant occurrences in the general population are insufficient to allow any conclusion about variant significance. To our knowledge, no occurrence of c.369T>A in individuals affected with MYOZ2-related conditions and no experimental evidence demonstrating its impact on protein function have been reported. ClinVar contains an entry for this variant (Variation ID: 4116138). Based on the evidence outlined above, the variant was classified as likely benign.

Ambry Genetics
Classification: Likely benign for Cardiovascular phenotype. Last evaluated: 2025-08-12. Review status: criteria provided, single submitter. Criteria: Ambry Variant Classification Scheme 2023. Collection method: clinical testing. Allele origin: germline.

NM_016599.5(MYOZ2):c.369T>A (p.Ile123=)

Gene: MYOZ2 (myozenin 2; plus strand). Cytogenetic location: 4q26.
Variant type: single nucleotide variant.
Coding change: c.369T>A on transcript NM_016599.5 (MANE Select); coding-DNA position 369, T replaced by A.
Protein change: p.Ile123=; no amino-acid change (isoleucine 123 retained).
Molecular consequence: synonymous variant.
Genome position (GRCh38, 1-based): chr4:119,158,144, T>A. VCF-style: chr4-119158144-T-A. GRCh37 (hg19) VCF-style: chr4-120079299-T-A.
Other names: c.369T>A, p.Ile123= (NM_001440646.1, NM_001440645.1).
Identifiers: ClinVar variation 4116138 (VCV004116138.2).